The following is an entry in ClinVar:

ClinVar aggregate classification (germline): Uncertain significance (1 of 4 stars; one submission).

Allele frequency attached by ClinVar (database versions not stated): gnomAD exomes below 0.00001; TOPMed below 0.00001.
gnomAD v4.1: 1 of 1,614,106 alleles (0.000062%); highest among the groups gnomAD compares: Admixed American, 0.0017%; no homozygotes.

Submission:

Labcorp Genetics (formerly Invitae), Labcorp
Classification: Uncertain significance. Last evaluated: 2025-03-05. Review status: criteria provided, single submitter. Criteria: Invitae Variant Classification Sherloc (09022015). Collection method: clinical testing. Allele origin: germline.
Comment: This sequence change replaces alanine, which is neutral and non-polar, with threonine, which is neutral and polar, at codon 138 of the LCT protein (p.Ala138Thr). This variant is present in population databases (no rsID available, gnomAD 0.003%). This variant has not been reported in the literature in individuals affected with LCT-related conditions. ClinVar contains an entry for this variant (Variation ID: 1425136). An algorithm developed to predict the effect of missense changes on protein structure and function outputs the following: PolyPhen-2: "Benign". The threonine amino acid residue is found in multiple mammalian species, which suggests that this missense change does not adversely affect protein function. In summary, the available evidence is currently insufficient to determine the role of this variant in disease. Therefore, it has been classified as a Variant of Uncertain Significance.

NM_002299.4(LCT):c.412G>A (p.Ala138Thr)

Gene: LCT (lactase; minus strand). Cytogenetic location: 2q21.3.
Variant type: single nucleotide variant.
Coding change: c.412G>A on transcript NM_002299.4 (MANE Select); coding-DNA position 412, G replaced by A.
Protein change: p.Ala138Thr; replaces alanine 138 with threonine.
Molecular consequence: missense variant.
Genome position (GRCh38, 1-based): chr2:135,836,758, C>T on the plus strand (G>A on the coding strand, the complement: LCT is on the minus strand). VCF-style: chr2-135836758-C-T. GRCh37 (hg19) VCF-style: chr2-136594328-C-T.
Other names: short protein forms A138T.
Identifiers: ClinVar variation 1425136 (VCV001425136.8), dbSNP rs1186807072, ClinGen allele CA348609386.